The following is an entry in ClinVar:

ClinVar aggregate classification (germline): Uncertain significance. Review status: criteria provided, multiple submitters, no conflicts (2 of 4 stars). 4 submissions from 4 submitters: Uncertain significance (4). Last evaluated 2025-11-12.

Conditions:
Donnai-Barrow syndrome. Also called: DBS/FOAR SYNDROME; FACIOOCULOACOUSTICORENAL SYNDROME. Identifiers: Orphanet 2143, MedGen C1857277, MONDO:0009104, OMIM 222448.
Inborn genetic diseases. Identifiers: MedGen C0950123, MeSH D030342.

gnomAD v4.1: 3 of 1,614,068 alleles (0.00019%); highest among the groups gnomAD compares: African/African-American, 0.004%; no homozygotes.

Submissions (4):

Ambry Genetics
Classification: Uncertain significance for Inborn genetic diseases. Last evaluated: 2025-11-12. Review status: criteria provided, single submitter. Criteria: Ambry Variant Classification Scheme 2023. Collection method: clinical testing. Allele origin: germline.

Labcorp Genetics (formerly Invitae), Labcorp
Classification: Uncertain significance. Last evaluated: 2025-04-21. Review status: criteria provided, single submitter. Criteria: Invitae Variant Classification Sherloc (09022015). Collection method: clinical testing. Allele origin: germline.
Comment: This sequence change replaces leucine, which is neutral and non-polar, with valine, which is neutral and non-polar, at codon 3735 of the LRP2 protein (p.Leu3735Val). This variant is present in population databases (no rsID available, gnomAD 0.02%). This variant has not been reported in the literature in individuals affected with LRP2-related conditions. ClinVar contains an entry for this variant (Variation ID: 1501461). Invitae Evidence Modeling of protein sequence and biophysical properties (such as structural, functional, and spatial information, amino acid conservation, physicochemical variation, residue mobility, and thermodynamic stability) indicates that this missense variant is not expected to disrupt LRP2 protein function with a negative predictive value of 95%. In summary, the available evidence is currently insufficient to determine the role of this variant in disease. Therefore, it has been classified as a Variant of Uncertain Significance.

Fulgent Genetics
Classification: Uncertain significance for Donnai-Barrow syndrome. Last evaluated: 2024-03-08. Review status: criteria provided, single submitter. Criteria: ACMG Guidelines, 2015. Collection method: clinical testing. Allele origin: germline.

Blueprint Genetics
Classification: Uncertain significance. Last evaluated: 2020-08-03. Review status: criteria provided, single submitter. Criteria: ACMG Guidelines, 2015. Collection method: clinical testing. Allele origin: germline.

NM_004525.3(LRP2):c.11203C>G (p.Leu3735Val)

Gene: LRP2 (LDL receptor related protein 2; minus strand). Cytogenetic location: 2q31.1.
Variant type: single nucleotide variant.
Coding change: c.11203C>G on transcript NM_004525.3 (MANE Select); coding-DNA position 11203, C replaced by G.
Protein change: p.Leu3735Val; replaces leucine 3735 with valine.
Molecular consequence: missense variant.
Genome position (GRCh38, 1-based): chr2:169,172,075, G>C on the plus strand (C>G on the coding strand, the complement: LRP2 is on the minus strand). VCF-style: chr2-169172075-G-C. GRCh37 (hg19) VCF-style: chr2-170028585-G-C.
Other names: c.11203C>G (NM_004525.2); short protein forms L3735V.
Identifiers: ClinVar variation 1501461 (VCV001501461.9), dbSNP rs755720299, ClinGen allele CA59908788.